The following is an entry in ClinVar:

ClinVar aggregate classification (germline): Uncertain significance (1 of 4 stars; one submission).

Conditions:
Developmental and epileptic encephalopathy, 9 (DEE9). Also called: PCDH19-Related X-Linked Female-Limited Epilepsy with Mental Retardation; Early infantile epileptic encephalopathy 9; EPILEPSY, FEMALE-RESTRICTED, WITH MENTAL RETARDATION; JUBERG-HELLMAN SYNDROME. Identifiers: Orphanet 101039, Orphanet 2076, MedGen C1848137, MONDO:0010246, OMIM 300088. Disease mechanism: loss of function.

Submission:

Labcorp Genetics (formerly Invitae), Labcorp
Classification: Uncertain significance for Developmental and epileptic encephalopathy, 9. Last evaluated: 2024-12-09. Review status: criteria provided, single submitter. Criteria: Invitae Variant Classification Sherloc (09022015). Collection method: clinical testing. Allele origin: germline.
Comment: This sequence change replaces proline, which is neutral and non-polar, with arginine, which is basic and polar, at codon 431 of the PCDH19 protein (p.Pro431Arg). This variant is not present in population databases (gnomAD no frequency). This variant has not been reported in the literature in individuals affected with PCDH19-related conditions. ClinVar contains an entry for this variant (Variation ID: 583368). Invitae Evidence Modeling of protein sequence and biophysical properties (such as structural, functional, and spatial information, amino acid conservation, physicochemical variation, residue mobility, and thermodynamic stability) indicates that this missense variant is expected to disrupt PCDH19 protein function with a positive predictive value of 95%. In summary, the available evidence is currently insufficient to determine the role of this variant in disease. Therefore, it has been classified as a Variant of Uncertain Significance.

NM_001184880.2(PCDH19):c.1292C>G (p.Pro431Arg)

Gene: PCDH19 (protocadherin 19; minus strand). Cytogenetic location: Xq22.1.
Variant type: single nucleotide variant.
Coding change: c.1292C>G on transcript NM_001184880.2 (MANE Select); coding-DNA position 1292, C replaced by G.
Protein change: p.Pro431Arg; replaces proline 431 with arginine.
Molecular consequence: missense variant.
Genome position (GRCh38, 1-based): chrX:100,407,306, G>C on the plus strand (C>G on the coding strand, the complement: PCDH19 is on the minus strand). VCF-style: chrX-100407306-G-C. GRCh37 (hg19) VCF-style: chrX-99662304-G-C.
Other names: c.1292C>G, p.Pro431Arg (NM_001105243.2, NM_020766.3); short protein forms P431R.
Identifiers: ClinVar variation 583368 (VCV000583368.9), dbSNP rs1569314874, ClinGen allele CA414003227.
Genomic context (GRCh38, chrX:100,407,306, plus strand): 5'-GGGTGGTTGTCATTTTCGTCAGTGATGAGCACGGTAAAGGACTTGGCACTCTGCAGCATG[G>C]GCACGCCGCCGTCGCGTGCCTGAATTGTGAGGTTGTATTGGTCGTGCTGCTCGCGGTCCA-3'
Protein context (NP_001171809.1, residues 421-441): LTIQARDGGV[Pro431Arg]MLQSAKSFTV